The following is an entry in ClinVar:

NM_001277115.2(DNAH11):c.1901A>T (p.Asn634Ile)

Gene: DNAH11 (dynein axonemal heavy chain 11; plus strand). Cytogenetic location: 7p15.3.
Variant type: single nucleotide variant.
Coding change: c.1901A>T on transcript NM_001277115.2 (MANE Select); coding-DNA position 1901, A replaced by T.
Protein change: p.Asn634Ile; replaces asparagine 634 with isoleucine.
Molecular consequence: missense variant.
Genome position (GRCh38, 1-based): chr7:21,588,564, A>T. VCF-style: chr7-21588564-A-T. GRCh37 (hg19) VCF-style: chr7-21628182-A-T.
Other names: c.1901A>T (NM_001277115.1); short protein forms N634I.
Identifiers: ClinVar variation 1442384 (VCV001442384.8), dbSNP rs575221219, ClinGen allele CA4179149.

ClinVar aggregate classification (germline): Conflicting classifications of pathogenicity. Review status: criteria provided, conflicting classifications (1 of 4 stars). 2 submissions from 2 submitters: Uncertain significance (1); Likely benign (1). Last evaluated 2026-08-10.

Conditions:
Primary ciliary dyskinesia. Also called: Ciliary dyskinesia. Identifiers: Orphanet 244, MedGen C0008780, MONDO:0016575, HP:0012265.

Allele frequency attached by ClinVar (database versions not stated): ExAC 0.00001; TOPMed 0.00009; gnomAD exomes 0.00001 and below 0.00001; gnomAD 0.00002 and 0.00003; 1000 Genomes Project 30x 0.00016; 1000 Genomes Project 0.00020.
gnomAD v4.1: 7 of 1,613,632 alleles (0.00043%); highest among the groups gnomAD compares: Admixed American, 0.01%; no homozygotes.

Submissions (2):

Ambry Genetics
Classification: Uncertain significance for Primary ciliary dyskinesia. Last evaluated: 2026-08-10. Review status: criteria provided, single submitter. Criteria: Ambry Variant Classification Scheme 2023. Collection method: clinical testing. Allele origin: germline.
Comment: The p.N634I variant (also known as c.1901A>T), located in coding exon 11 of the DNAH11 gene, results from an A to T substitution at nucleotide position 1901. The asparagine at codon 634 is replaced by isoleucine, an amino acid with dissimilar properties. This amino acid position is conserved. In addition, this alteration is predicted to be tolerated by in silico analysis. Based on the available evidence, the clinical significance of this variant remains unclear.

Labcorp Genetics (formerly Invitae), Labcorp
Classification: Likely benign for Primary ciliary dyskinesia. Last evaluated: 2025-05-18. Review status: criteria provided, single submitter. Criteria: Invitae Variant Classification Sherloc (09022015). Collection method: clinical testing. Allele origin: germline.